The following is an entry in ClinVar:

ClinVar aggregate classification (germline): Uncertain significance. Review status: criteria provided, multiple submitters, no conflicts (2 of 4 stars). 2 submissions from 2 submitters: Uncertain significance (2). Last evaluated 2021-03-26.

Conditions:
Neuronopathy, distal hereditary motor, type 2D. Also called: HMN IID; SPINAL MUSCULAR ATROPHY, DISTAL, AUTOSOMAL DOMINANT, CALF-PREDOMINANT; NEURONOPATHY, DISTAL HEREDITARY MOTOR, AUTOSOMAL DOMINANT 6; NEURONOPATHY, DISTAL HEREDITARY MOTOR, HARDING TYPE IID; NEUROPATHY, DISTAL HEREDITARY MOTOR, HARDING TYPE IID. Identifiers: Orphanet 139525, MedGen C3888271, MONDO:0014259, OMIM 615575.
Distal hereditary motor neuropathy type 2. Identifiers: Orphanet 139525, MedGen C3711384, MeSH C580044, MONDO:0015352.

Allele frequency attached by ClinVar (database versions not stated): gnomAD exomes below 0.00001; ExAC 0.00001.

Submissions (2):

Revvity Omics, Revvity
Classification: Uncertain significance for Neuronopathy, distal hereditary motor, type 2D. Last evaluated: 2021-03-26. Review status: criteria provided, single submitter. Criteria: ACMG Guidelines, 2015. Collection method: clinical testing. Allele origin: germline.

Labcorp Genetics (formerly Invitae), Labcorp
Classification: Uncertain significance for Distal hereditary motor neuropathy type 2. Last evaluated: 2020-07-24. Review status: criteria provided, single submitter. Criteria: Invitae Variant Classification Sherloc (09022015). Collection method: clinical testing. Allele origin: germline.
Comment: This sequence change replaces isoleucine with threonine at codon 691 of the FBXO38 protein (p.Ile691Thr). The isoleucine residue is weakly conserved and there is a moderate physicochemical difference between isoleucine and threonine. This variant is present in population databases (rs765514195, ExAC 0.002%). This variant has not been reported in the literature in individuals with FBXO38-related conditions. Algorithms developed to predict the effect of missense changes on protein structure and function (SIFT, PolyPhen-2, Align-GVGD) all suggest that this variant is likely to be tolerated, but these predictions have not been confirmed by published functional studies and their clinical significance is uncertain. In summary, the available evidence is currently insufficient to determine the role of this variant in disease. Therefore, it has been classified as a Variant of Uncertain Significance.

NM_205836.3(FBXO38):c.2072T>C (p.Ile691Thr)

Gene: FBXO38 (F-box protein 38; plus strand). Cytogenetic location: 5q32.
Variant type: single nucleotide variant.
Coding change: c.2072T>C on transcript NM_205836.3 (MANE Select); coding-DNA position 2072, T replaced by C.
Protein change: p.Ile691Thr; replaces isoleucine 691 with threonine.
Molecular consequence: missense variant. On other transcripts: intron variant (1).
Genome position (GRCh38, 1-based): chr5:148,427,366, T>C. VCF-style: chr5-148427366-T-C. GRCh37 (hg19) VCF-style: chr5-147806929-T-C.
Other names: c.2072T>C, p.Ile691Thr (NM_030793.5); c.1918+1665T>C (NM_001271723.2); short protein forms I691T.
Identifiers: ClinVar variation 1008505 (VCV001008505.13), dbSNP rs765514195, ClinGen allele CA3497441.